The following is an entry in ClinVar:

NM_182493.3(MYLK3):c.431G>C (p.Gly144Ala)

Gene: MYLK3 (myosin light chain kinase 3; minus strand). Cytogenetic location: 16q11.2.
Variant type: single nucleotide variant.
Coding change: c.431G>C on transcript NM_182493.3 (MANE Select); coding-DNA position 431, G replaced by C.
Protein change: p.Gly144Ala; replaces glycine 144 with alanine.
Molecular consequence: missense variant. On other transcripts: intron variant (1).
Genome position (GRCh38, 1-based): chr16:46,747,763, C>G on the plus strand (G>C on the coding strand, the complement: MYLK3 is on the minus strand). VCF-style: chr16-46747763-C-G. GRCh37 (hg19) VCF-style: chr16-46781675-C-G.
Other names: c.-113-7616G>C (NM_001308301.1); short protein forms G144A.
Identifiers: ClinVar variation 2834388 (VCV002834388.3), dbSNP rs748112632, ClinGen allele CA8038258.

ClinVar aggregate classification (germline): Uncertain significance (1 of 4 stars; one submission).

Allele frequency attached by ClinVar (database versions not stated): gnomAD exomes below 0.00001; ExAC 0.00001.
gnomAD v4.1: 1 of 1,614,200 alleles (0.000062%); highest among the groups gnomAD compares: East Asian, 0.0022%; no homozygotes.

Submission:

Labcorp Genetics (formerly Invitae), Labcorp
Classification: Uncertain significance. Last evaluated: 2025-12-24. Review status: criteria provided, single submitter. Criteria: Invitae Variant Classification Sherloc (09022015). Collection method: clinical testing. Allele origin: germline.
Comment: This sequence change replaces glycine, which is neutral and non-polar, with alanine, which is neutral and non-polar, at codon 144 of the MYLK3 protein (p.Gly144Ala). This variant is present in population databases (rs748112632, gnomAD 0.006%). This variant has not been reported in the literature in individuals affected with MYLK3-related conditions. ClinVar contains an entry for this variant (Variation ID: 2834388). An algorithm developed to predict the effect of missense changes on protein structure and function (PolyPhen-2) suggests that this variant is likely to be disruptive. In summary, the available evidence is currently insufficient to determine the role of this variant in disease. Therefore, it has been classified as a Variant of Uncertain Significance.